The following is an entry in ClinVar:

NM_000179.3(MSH6):c.1610_1614delinsTA (p.Lys537_Tyr538delinsIle)

Gene: MSH6 (mutS homolog 6; plus strand). Cytogenetic location: 2p16.3.
Variant type: Indel.
Coding change: c.1610_1614delinsTA on transcript NM_000179.3 (MANE Select); coding-DNA positions 1610 to 1614, AGTAT replaced by TA.
Protein change: p.Lys537_Tyr538delinsIle.
Molecular consequence: inframe indel. On other transcripts: non-coding transcript variant (4), intron variant (2).
Genome position (GRCh38, 1-based): chr2:47,799,593-47,799,597, AGTAT replaced by TA. VCF-style: chr2-47799593-AGTAT-TA. GRCh37 (hg19) VCF-style: chr2-48026732-AGTAT-TA.
Other names: c.1706_1710delinsTA, p.Lys569_Tyr570delinsIle (NM_001406802.1, NM_001406795.1); c.1313_1317delinsTA, p.Lys438_Tyr439delinsIle (NM_001406801.1, NM_001406805.1, NM_001406797.1 and 10 more transcripts); c.1610_1614delinsTA, p.Lys537_Tyr538delinsIle (NM_001406803.1, NM_001406809.1, NM_001406808.1 and 3 more transcripts); c.1532_1536delinsTA, p.Lys511_Tyr512delinsIle (NM_001406804.1); c.1085_1089delinsTA, p.Lys362_Tyr363delinsIle (NM_001406806.1, NM_001406807.1, NM_001406799.1); c.704_708delinsTA, p.Lys235_Tyr236delinsIle (NM_001406812.1, NM_001406811.1, NM_001281493.2 and 6 more transcripts); c.1220_1224delinsTA, p.Lys407_Tyr408delinsIle (NM_001281492.2); c.1616_1620delinsTA, p.Lys539_Tyr540delinsIle (NM_001406813.1); and 3 more.
Identifiers: ClinVar variation 3875057 (VCV003875057.1).
Genomic context (GRCh38, chr2:47,799,593, plus strand): 5'-TTACCAAGGGTACACAGACTTACAGTGTGCTGGAAGGTGATCCCTCTGAGAACTACAGTA[AGTAT>TA]CTTCTTAGCCTCAAAGAAAAAGAGGAAGATTCTTCTGGCCATACTCGTGCATATGGTGTG-3'

ClinVar aggregate classification (germline): Uncertain significance (1 of 4 stars; one submission).

Conditions:
Hereditary cancer-predisposing syndrome. Also called: Tumor predisposition; Neoplastic Syndromes, Hereditary; Hereditary Cancer Syndrome; Hereditary neoplastic syndrome. Identifiers: Orphanet 140162, MedGen C0027672, MeSH D009386, MONDO:0015356.

Submission:

Ambry Genetics
Classification: Uncertain significance for Hereditary cancer-predisposing syndrome. Last evaluated: 2025-01-02. Review status: criteria provided, single submitter. Criteria: Ambry Variant Classification Scheme 2023. Collection method: clinical testing. Allele origin: germline.
Comment: The c.1610_1614delAGTATinsTA variant (also known as p.K537_Y538delinsI), located in coding exon 4 of the MSH6 gene, results from an in-frame deletion of AGTAT and insertion of TA at nucleotide positions 1610 to 1614. This results in the substitution of lysine and tyrosine residues for an isoleucine residue at codon 537 and 538. This amino acid region is not well conserved in available vertebrate species. In addition, this alteration is predicted to be deleterious by in silico analysis (Choi Y et al. PLoS ONE. 2012; 7(10):e46688). Based on the available evidence, the clinical significance of this variant remains unclear.